The following is an entry in ClinVar:

ClinVar aggregate classification (germline): Likely benign (1 of 4 stars; one submission).

Submission:

GeneDx
Classification: Likely benign. Last evaluated: 2025-11-17. Review status: criteria provided, single submitter. Criteria: GeneDx Variant Classification Process June 2021. Collection method: clinical testing. Allele origin: germline.
Comment: See Variant Classification Assertion Criteria.

NM_032436.4(CHAMP1):c.100G>A (p.Gly34Ser)

Gene: CHAMP1 (chromosome alignment maintaining phosphoprotein 1; plus strand). Cytogenetic location: 13q34.
Variant type: single nucleotide variant.
Coding change: c.100G>A on transcript NM_032436.4 (MANE Select); coding-DNA position 100, G replaced by A.
Protein change: p.Gly34Ser; replaces glycine 34 with serine.
Molecular consequence: missense variant.
Genome position (GRCh38, 1-based): chr13:114,323,942, G>A. VCF-style: chr13-114323942-G-A. GRCh37 (hg19) VCF-style: chr13-115089417-G-A.
Other names: c.100G>A, p.Gly34Ser (NM_001164144.3, NM_001164145.3); short protein forms G34S.
Identifiers: ClinVar variation 4086689 (VCV004086689.2).